The following is an entry in ClinVar:

ClinVar aggregate classification (germline): Uncertain significance. Review status: criteria provided, multiple submitters, no conflicts (2 of 4 stars). 2 submissions from 2 submitters: Uncertain significance (2). Last evaluated 2023-11-27.

Conditions:
Inborn genetic diseases. Identifiers: MedGen C0950123, MeSH D030342.

Allele frequency attached by ClinVar (database versions not stated): gnomAD exomes below 0.00001; gnomAD 0.00002; TOPMed 0.00003.
gnomAD v4.1: 9 of 1,605,592 alleles (0.00056%); highest among the groups gnomAD compares: Non-Finnish European, 0.00076%; no homozygotes.

Submissions (2):

Labcorp Genetics (formerly Invitae), Labcorp
Classification: Uncertain significance. Last evaluated: 2023-11-27. Review status: criteria provided, single submitter. Criteria: Invitae Variant Classification Sherloc (09022015). Collection method: clinical testing. Allele origin: germline.
Comment: This sequence change replaces lysine, which is basic and polar, with arginine, which is basic and polar, at codon 122 of the NACC1 protein (p.Lys122Arg). The frequency data for this variant in the population databases is considered unreliable, as metrics indicate poor data quality at this position in the gnomAD database. This missense change has been observed in individual(s) with NACC1-related conditions (PMID: 31618753). ClinVar contains an entry for this variant (Variation ID: 521628). Advanced modeling of protein sequence and biophysical properties (such as structural, functional, and spatial information, amino acid conservation, physicochemical variation, residue mobility, and thermodynamic stability) performed at Invitae indicates that this missense variant is not expected to disrupt NACC1 protein function with a negative predictive value of 80%. In summary, the available evidence is currently insufficient to determine the role of this variant in disease. Therefore, it has been classified as a Variant of Uncertain Significance.

Ambry Genetics
Classification: Uncertain significance for Inborn genetic diseases. Last evaluated: 2017-08-11. Review status: criteria provided, single submitter. Criteria: Ambry exome assertion method (8-5-2015). Collection method: clinical testing. Allele origin: germline. Affected: yes. Observed: 1 variant allele.

Literature cited by the submitters: PubMed 31618753 (cited by Labcorp Genetics (formerly Invitae), Labcorp).

NM_052876.4(NACC1):c.365A>G (p.Lys122Arg)

Gene: NACC1 (nucleus accumbens associated 1; plus strand). Cytogenetic location: 19p13.13.
Variant type: single nucleotide variant.
Coding change: c.365A>G on transcript NM_052876.4 (MANE Select); coding-DNA position 365, A replaced by G.
Protein change: p.Lys122Arg; replaces lysine 122 with arginine.
Molecular consequence: missense variant.
Genome position (GRCh38, 1-based): chr19:13,135,572, A>G. VCF-style: chr19-13135572-A-G. GRCh37 (hg19) VCF-style: chr19-13246386-A-G.
Other names: short protein forms K122R.
Identifiers: ClinVar variation 521628 (VCV000521628.11), dbSNP rs1009493804, ClinGen allele CA305552874.